The following is an entry in ClinVar:

ClinVar aggregate classification (germline): Conflicting classifications of pathogenicity. Review status: criteria provided, conflicting classifications (1 of 4 stars). 2 submissions from 2 submitters: Likely pathogenic (1); Uncertain significance (1). Last evaluated 2022-08-01.

Conditions:
Symmetrical dyschromatosis of extremities (DSH). Also called: DYSCHROMATOSIS SYMMETRICA HEREDITARIA 1; RETICULATE ACROPIGMENTATION OF DOHI; SYMMETRIC DYSCHROMATOSIS OF THE EXTREMITIES; Dyschromatosis symmetrica hereditaria. Identifiers: Orphanet 41, MedGen C0406775, MONDO:0007483, OMIM 127400.
Aicardi-Goutieres syndrome 6 (AGS6). Identifiers: Orphanet 51, MedGen C3539013, MONDO:0014007, OMIM 615010.

Submissions (2):

Dermatology, The Second Affiliated Hospital of Xi'an Jiaotong University
Classification: Likely pathogenic for Symmetrical dyschromatosis of extremities. Last evaluated: 2022-08-01. Review status: criteria provided, single submitter. Criteria: ACMG Guidelines, 2015. Collection method: clinical testing. Allele origin: germline. Affected: yes. Observed: 1 variant allele.
Comment: Missense variant c.2531T>G(p.Leu844Arg) is classified as Likely Pathogenic. In silico tools predict a deleterious effect on the ADAR protein (PP3). The leucine residue at position 844 is highly conserved. The variant is absent or extremely rare in population databases (PM2). Computational evidence combined with rarity and patient observation meets criteria for Likely Pathogenic. No benign evidence exists.

Juno Genomics, Hangzhou Juno Genomics, Inc
Classification: Uncertain significance for Aicardi-Goutieres syndrome 6; Symmetrical dyschromatosis of extremities. Review status: criteria provided, single submitter. Criteria: ACMG Guidelines, 2015. Collection method: clinical testing. Allele origin: germline. Affected: yes.
Comment: Absent from controls (or at extremely low frequency if recessive) in Genome Aggregation Database, Exome Sequencing Project, 1000 Genomes Project, or Exome Aggregation Consortium.;Patient's phenotype or family history is highly specific for a disease with a single genetic etiology.;De novo (both maternity and paternity confirmed) in a patient with the disease and no family history.

NM_001111.5(ADAR):c.2531T>G (p.Ile844Arg)

Genes: ADAR (adenosine deaminase RNA specific; minus strand), LOC126805874 (CDK7 strongly-dependent group 2 enhancer GRCh37_chr1:154561176-154562375; plus strand). Cytogenetic location: 1q21.3.
Variant type: single nucleotide variant.
Coding change: c.2531T>G on transcript NM_001111.5 (MANE Select); coding-DNA position 2531, T replaced by G.
Protein change: p.Ile844Arg; replaces isoleucine 844 with arginine.
Molecular consequence: missense variant.
Genome position (GRCh38, 1-based): chr1:154,589,894, A>C on the plus strand (T>G on the coding strand, the complement: ADAR is on the minus strand). VCF-style: chr1-154589894-A-C. GRCh37 (hg19) VCF-style: chr1-154562370-A-C.
Other names: c.1646T>G, p.Ile549Arg (NM_001025107.3, NM_001193495.2, NM_001365046.1 and 2 more transcripts); c.2558T>G, p.Ile853Arg (NM_001365045.1); c.1568T>G, p.Ile523Arg (NM_001365049.1); c.2453T>G, p.Ile818Arg (NM_015840.4); c.2396T>G, p.Ile799Arg (NM_015841.4); short protein forms I523R, I549R, I799R, I818R, I844R, I853R.
Identifiers: ClinVar variation 3382671 (VCV003382671.2).